The following is an entry in ClinVar:

NM_002609.4(PDGFRB):c.581T>C (p.Ile194Thr)

Gene: PDGFRB (platelet derived growth factor receptor beta; minus strand). Cytogenetic location: 5q32.
Variant type: single nucleotide variant.
Coding change: c.581T>C on transcript NM_002609.4 (MANE Select); coding-DNA position 581, T replaced by C.
Protein change: p.Ile194Thr; replaces isoleucine 194 with threonine.
Molecular consequence: missense variant. On other transcripts: synonymous variant (1).
Genome position (GRCh38, 1-based): chr5:150,134,800, A>G on the plus strand (T>C on the coding strand, the complement: PDGFRB is on the minus strand). VCF-style: chr5-150134800-A-G. GRCh37 (hg19) VCF-style: chr5-149514363-A-G.
Other names: p.Ile194Thr; c.389T>C, p.Ile130Thr (NM_001355016.2); c.64T>C, p.Leu22= (NM_001355017.2); short protein forms I194T, I130T.
Identifiers: ClinVar variation 707690 (VCV000707690.42), dbSNP rs2229560, ClinGen allele CA3508279.

ClinVar aggregate classification (germline): Benign/Likely benign. Review status: criteria provided, multiple submitters, no conflicts (2 of 4 stars). 9 submissions from 9 submitters: Benign (3); Likely benign (2). 4 of the submissions do not count toward it. Last evaluated 2026-02-02.

Conditions:
PDGFRB-related disorder. Also called: PDGFRB-related condition.
Skeletal overgrowth-craniofacial dysmorphism-hyperelastic skin-white matter lesions syndrome. Also called: SKELETAL OVERGROWTH WITH FACIAL DYSMORPHISM, HYPERELASTIC SKIN, WHITE MATTER LESIONS, AND NEUROLOGIC DETERIORATION; Kosaki overgrowth syndrome. Identifiers: Orphanet 477831, MedGen C4225270, MONDO:0014704, OMIM 616592.
Acroosteolysis-keloid-like lesions-premature aging syndrome. Also called: Premature aging syndrome, Penttinen type; Prematurely aged appearance, delayed bone maturation, acro-osteolysis, and brachydactyly; Progeroid syndrome, Penttinen type. Identifiers: Orphanet 363665, MedGen C1866182, MONDO:0011150, OMIM 601812.
Infantile myofibromatosis (IMF). Also called: Congenital generalized fibromatosis. Identifiers: Orphanet 2591, MedGen C0432284, MONDO:0016824.
Basal ganglia calcification, idiopathic, 4 (PFBC4). Also called: PRIMARY FAMILIAL BRAIN CALCIFICATION 4, AUTOSOMAL DOMINANT; Familial Idiopathic Basal Ganglia Calcification 4. Identifiers: Orphanet 1980, MedGen C3554321, MONDO:0014004, OMIM 615007.

Allele frequency attached by ClinVar (database versions not stated): ESP Exome Variant Server 0.00108; ExAC 0.00123; TOPMed 0.00134; gnomAD 0.00130 and 0.00133; 1000 Genomes Project 30x 0.00203; gnomAD exomes 0.00121; 1000 Genomes Project 0.00180.
gnomAD v4.1: 3,186 of 1,614,186 alleles (0.2%); highest among the groups gnomAD compares: Non-Finnish European, 0.24%; 8 homozygotes.

Submissions (9):

Labcorp Genetics (formerly Invitae), Labcorp
Classification: Likely benign for Basal ganglia calcification, idiopathic, 4; Skeletal overgrowth-craniofacial dysmorphism-hyperelastic skin-white matter lesions syndrome; Infantile myofibromatosis; Acroosteolysis-keloid-like lesions-premature aging syndrome. Last evaluated: 2026-02-02. Review status: criteria provided, single submitter. Criteria: Invitae Variant Classification Sherloc (09022015). Collection method: clinical testing. Allele origin: germline.

CeGaT Center for Human Genetics Tuebingen
Classification: Benign. Last evaluated: 2025-08-01. Review status: criteria provided, single submitter. Criteria: CeGaT Center For Human Genetics Tuebingen Variant Classification Criteria Version 2. Collection method: clinical testing. Allele origin: germline. Affected: yes. Observed: 5 variant alleles.
Comment: PDGFRB: BS1, BS2

Blueprint Genetics
Classification: Likely benign. Last evaluated: 2024-11-25. Review status: criteria provided, single submitter. Criteria: ACMG Guidelines, 2015. Collection method: clinical testing. Allele origin: germline.

Mayo Clinic Laboratories, Mayo Clinic
Classification: Benign. Last evaluated: 2023-12-06. Review status: criteria provided, single submitter. Criteria: ACMG Guidelines, 2015. Collection method: clinical testing. Allele origin: germline. Observed: 4 variant alleles.
Comment: BS1, BS2

GeneDx
Classification: Benign. Last evaluated: 2021-04-20. Review status: criteria provided, single submitter. Criteria: GeneDx Variant Classification Process June 2021. Collection method: clinical testing. Allele origin: germline. Affected: yes.
Comment: This variant is associated with the following publications: (PMID: 29868112)

PreventionGenetics, part of Exact Sciences
Classification: Likely benign for PDGFRB-related condition. Last evaluated: 2019-03-11. Review status: no assertion criteria provided. Collection method: clinical testing. Allele origin: germline. Not counted in ClinVar's aggregate classification.
Comment: This variant is classified as likely benign based on ACMG/AMP sequence variant interpretation guidelines (Richards et al. 2015 PMID: 25741868, with internal and published modifications).

Genome Diagnostics Laboratory, Amsterdam University Medical Center
Classification: Likely benign. Review status: no assertion criteria provided. Collection method: clinical testing. Allele origin: germline. Affected: yes. Study: VKGL Data-share Consensus. Not counted in ClinVar's aggregate classification.

Genome Diagnostics Laboratory, University Medical Center Utrecht
Classification: Likely benign. Review status: no assertion criteria provided. Collection method: clinical testing. Allele origin: germline. Affected: yes. Study: VKGL Data-share Consensus. Not counted in ClinVar's aggregate classification.

Laboratory of Diagnostic Genome Analysis, Leiden University Medical Center (LUMC)
Classification: Likely benign. Review status: no assertion criteria provided. Collection method: clinical testing. Allele origin: germline. Affected: yes. Study: VKGL Data-share Consensus. Not counted in ClinVar's aggregate classification.